The following is an entry in ClinVar:

ClinVar aggregate classification (germline): Uncertain significance (1 of 4 stars; one submission).

Submission:

Labcorp Genetics (formerly Invitae), Labcorp
Classification: Uncertain significance. Last evaluated: 2022-10-27. Review status: criteria provided, single submitter. Criteria: Invitae Variant Classification Sherloc (09022015). Collection method: clinical testing. Allele origin: germline.
Comment: In summary, the available evidence is currently insufficient to determine the role of this variant in disease. Therefore, it has been classified as a Variant of Uncertain Significance. Advanced modeling of protein sequence and biophysical properties (such as structural, functional, and spatial information, amino acid conservation, physicochemical variation, residue mobility, and thermodynamic stability) performed at Invitae indicates that this missense variant is not expected to disrupt DLL4 protein function. This variant has not been reported in the literature in individuals affected with DLL4-related conditions. This variant is not present in population databases (gnomAD no frequency). This sequence change replaces methionine, which is neutral and non-polar, with leucine, which is neutral and non-polar, at codon 463 of the DLL4 protein (p.Met463Leu).

NM_019074.4(DLL4):c.1387A>C (p.Met463Leu)

Gene: DLL4 (delta like canonical Notch ligand 4; plus strand). Cytogenetic location: 15q15.1.
Variant type: single nucleotide variant.
Coding change: c.1387A>C on transcript NM_019074.4 (MANE Select); coding-DNA position 1387, A replaced by C.
Protein change: p.Met463Leu; replaces methionine 463 with leucine.
Molecular consequence: missense variant.
Genome position (GRCh38, 1-based): chr15:40,936,374, A>C. VCF-style: chr15-40936374-A-C. GRCh37 (hg19) VCF-style: chr15-41228572-A-C.
Other names: short protein forms M463L.
Identifiers: ClinVar variation 2808746 (VCV002808746.3), dbSNP rs747692838, ClinGen allele CA391780761.
Genomic context (GRCh38, chr15:40,936,374, plus strand): 5'-GACTGTGCCCGTAACCCTTGCGCCCACGGTGGCACTTGCCATGACCTGGAGAATGGGCTC[A>C]TGTGCACCTGCCCTGCCGGCTTCTCTGGCCGACGCTGTGAGGTGCGGACATCCATCGATG-3'
Protein context (NP_061947.1, residues 453-473): GTCHDLENGL[Met463Leu]CTCPAGFSGR